The following is an entry in ClinVar:

NM_001711.6(BGN):c.532G>A (p.Val178Met)

Gene: BGN (biglycan; plus strand). Cytogenetic location: Xq28.
Variant type: single nucleotide variant.
Coding change: c.532G>A on transcript NM_001711.6 (MANE Select); coding-DNA position 532, G replaced by A.
Protein change: p.Val178Met; replaces valine 178 with methionine.
Molecular consequence: missense variant.
Genome position (GRCh38, 1-based): chrX:153,506,043, G>A. VCF-style: chrX-153506043-G-A. GRCh37 (hg19) VCF-style: chrX-152771501-G-A.
Other names: c.532G>A (NM_001711.5); short protein forms V178M.
Identifiers: ClinVar variation 2626583 (VCV002626583.4), dbSNP rs2089798068, ClinGen allele CA415069959.

ClinVar aggregate classification (germline): Uncertain significance. Review status: criteria provided, multiple submitters, no conflicts (2 of 4 stars). 3 submissions from 3 submitters: Uncertain significance (3). Last evaluated 2026-01-18.

Conditions:
Cardiovascular phenotype. Identifiers: MedGen CN230736.

Allele frequency attached by ClinVar (database versions not stated): gnomAD exomes below 0.00001; TOPMed 0.00001.

Submissions (3):

Labcorp Genetics (formerly Invitae), Labcorp
Classification: Uncertain significance. Last evaluated: 2026-01-18. Review status: criteria provided, single submitter. Criteria: Invitae Variant Classification Sherloc (09022015). Collection method: clinical testing. Allele origin: germline.
Comment: This sequence change replaces valine, which is neutral and non-polar, with methionine, which is neutral and non-polar, at codon 178 of the BGN protein (p.Val178Met). This variant is not present in population databases (gnomAD no frequency). This variant has not been reported in the literature in individuals affected with BGN-related conditions. ClinVar contains an entry for this variant (Variation ID: 2626583). Invitae Evidence Modeling of protein sequence and biophysical properties (such as structural, functional, and spatial information, amino acid conservation, physicochemical variation, residue mobility, and thermodynamic stability) indicates that this missense variant is not expected to disrupt BGN protein function with a negative predictive value of 80%. In summary, the available evidence is currently insufficient to determine the role of this variant in disease. Therefore, it has been classified as a Variant of Uncertain Significance.

Ambry Genetics
Classification: Uncertain significance for Cardiovascular phenotype. Last evaluated: 2023-07-03. Review status: criteria provided, single submitter. Criteria: Ambry Variant Classification Scheme 2023. Collection method: clinical testing. Allele origin: germline.
Comment: The p.V178M variant (also known as c.532G>A), located in coding exon 3 of the BGN gene, results from a G to A substitution at nucleotide position 532. The valine at codon 178 is replaced by methionine, an amino acid with highly similar properties. This amino acid position is conserved. In addition, this alteration is predicted to be tolerated by in silico analysis. Since supporting evidence is limited at this time, the clinical significance of this alteration remains unclear.

GeneDx
Classification: Uncertain significance. Last evaluated: 2022-12-08. Review status: criteria provided, single submitter. Criteria: GeneDx Variant Classification Process June 2021. Collection method: clinical testing. Allele origin: germline. Affected: yes.
Comment: Not observed at significant frequency in large population cohorts (gnomAD); In silico analysis supports that this missense variant does not alter protein structure/function; Has not been previously published as pathogenic or benign to our knowledge; Variants in candidate genes are classified as variants of uncertain significance in accordance with ACMG guidelines (Richards et al., 2015)